The following is an entry in ClinVar:

ClinVar aggregate classification (germline): Uncertain significance (1 of 4 stars; one submission).

gnomAD v4.1: 2 of 1,613,954 alleles (0.00012%); highest among the groups gnomAD compares: Non-Finnish European, 0.00017%; no homozygotes.

Submission:

Labcorp Genetics (formerly Invitae), Labcorp
Classification: Uncertain significance. Last evaluated: 2025-04-17. Review status: criteria provided, single submitter. Criteria: Invitae Variant Classification Sherloc (09022015). Collection method: clinical testing. Allele origin: germline.
Comment: This sequence change replaces phenylalanine, which is neutral and non-polar, with serine, which is neutral and polar, at codon 439 of the POLG2 protein (p.Phe439Ser). This variant is present in population databases (no rsID available, gnomAD 0.0009%). This variant has not been reported in the literature in individuals affected with POLG2-related conditions. An algorithm developed to predict the effect of missense changes on protein structure and function (PolyPhen-2) suggests that this variant is likely to be disruptive. In summary, the available evidence is currently insufficient to determine the role of this variant in disease. Therefore, it has been classified as a Variant of Uncertain Significance.

NM_007215.4(POLG2):c.1316T>C (p.Phe439Ser)

Genes: MILR1 (mast cell immunoglobulin like receptor 1; plus strand), POLG2 (DNA polymerase gamma 2, accessory subunit; minus strand). Cytogenetic location: 17q23.3.
Variant type: single nucleotide variant.
Coding change: c.1316T>C on transcript NM_007215.4 (MANE Select); coding-DNA position 1316, T replaced by C.
Protein change: p.Phe439Ser; replaces phenylalanine 439 with serine.
Molecular consequence: missense variant.
Genome position (GRCh38, 1-based): chr17:64,477,965, A>G on the plus strand (T>C on the coding strand, the complement: POLG2 is on the minus strand). VCF-style: chr17-64477965-A-G. GRCh37 (hg19) VCF-style: chr17-62474082-A-G.
Other names: short protein forms F439S.
Identifiers: ClinVar variation 4717640 (VCV004717640.1).